The following is an entry in ClinVar:

ClinVar aggregate classification (germline): Uncertain significance (1 of 4 stars; one submission).

Conditions:
Hereditary spastic paraplegia 11. Also called: Spastic Paraplegia 11; Nakamura Osame syndrome; Autosomal recessive hereditary spastic paraplegia, mental impairment, and thin corpus callosum; SPASTIC PARAPLEGIA, AUTOSOMAL RECESSIVE, COMPLICATED, WITH THIN CORPUS CALLOSUM; SPASTIC PARAPLEGIA, AUTOSOMAL RECESSIVE, WITH MENTAL IMPAIRMENT AND THIN CORPUS CALLOSUM; Spastic paraplegia, mental retardation and thin corpus callosum. Identifiers: Orphanet 2822, MedGen C1858479, MONDO:0011445, OMIM 604360.

Allele frequency attached by ClinVar (database versions not stated): gnomAD 0.00001; TOPMed 0.00001.
gnomAD v4.1: 2 of 1,613,970 alleles (0.00012%); highest among the groups gnomAD compares: African/African-American, 0.0027%; no homozygotes.

Submission:

Labcorp Genetics (formerly Invitae), Labcorp
Classification: Uncertain significance for Hereditary spastic paraplegia 11. Last evaluated: 2021-09-01. Review status: criteria provided, single submitter. Criteria: Invitae Variant Classification Sherloc (09022015). Collection method: clinical testing. Allele origin: germline.
Comment: This sequence change replaces glutamic acid with lysine at codon 2133 of the SPG11 protein (p.Glu2133Lys). The glutamic acid residue is highly conserved and there is a small physicochemical difference between glutamic acid and lysine. This variant is not present in population databases (ExAC no frequency). This variant has not been reported in the literature in individuals affected with SPG11-related conditions. Algorithms developed to predict the effect of missense changes on protein structure and function (SIFT, PolyPhen-2, Align-GVGD) all suggest that this variant is likely to be disruptive. In summary, the available evidence is currently insufficient to determine the role of this variant in disease. Therefore, it has been classified as a Variant of Uncertain Significance.

NM_025137.4(SPG11):c.6397G>A (p.Glu2133Lys)

Gene: SPG11 (SPG11 vesicle trafficking associated, spatacsin; minus strand). Cytogenetic location: 15q21.1.
Variant type: single nucleotide variant.
Coding change: c.6397G>A on transcript NM_025137.4 (MANE Select); coding-DNA position 6397, G replaced by A.
Protein change: p.Glu2133Lys; replaces glutamic acid 2133 with lysine.
Molecular consequence: missense variant.
Genome position (GRCh38, 1-based): chr15:44,570,605, C>T on the plus strand (G>A on the coding strand, the complement: SPG11 is on the minus strand). VCF-style: chr15-44570605-C-T. GRCh37 (hg19) VCF-style: chr15-44862803-C-T.
Other names: c.6058G>A, p.Glu2020Lys (NM_001160227.2); short protein forms E2020K, E2133K.
Identifiers: ClinVar variation 1351088 (VCV001351088.5), dbSNP rs2082402813, ClinGen allele CA392216396.
Genomic context (GRCh38, chr15:44,570,605, plus strand): 5'-TGGGGGCCAGGTGGTTATCTGTGAGCATGTGGGCGGCCTGTAGGACTCGGATGATGCCCT[C>T]CATGTGGCACGTCAGGGTGAAGCAATGATGGGCCAGGATCAGGAGCTCTGTGGCTGGGAG-3'
Protein context (NP_079413.3, residues 2123-2143): HHCFTLTCHM[Glu2133Lys]GIIRVLQAAH